The following is an entry in ClinVar:

NM_001377458.1(CLCC1):c.601A>G (p.Thr201Ala)

Gene: CLCC1 (chloride channel CLIC like 1; minus strand). Cytogenetic location: 1p13.3.
Variant type: single nucleotide variant.
Coding change: c.601A>G on transcript NM_001377458.1 (MANE Select); coding-DNA position 601, A replaced by G.
Protein change: p.Thr201Ala; replaces threonine 201 with alanine.
Molecular consequence: missense variant. On other transcripts: non-coding transcript variant (1), intron variant (2).
Genome position (GRCh38, 1-based): chr1:108,943,576, T>C on the plus strand (A>G on the coding strand, the complement: CLCC1 is on the minus strand). VCF-style: chr1-108943576-T-C. GRCh37 (hg19) VCF-style: chr1-109486198-T-C.
Other names: c.601A>G, p.Thr201Ala (NM_001048210.3, NM_001377459.1, NM_001377460.1 and 8 more transcripts); c.499A>G, p.Thr167Ala (NM_001377469.1); c.310A>G, p.Thr104Ala (NM_001377470.1); c.451A>G, p.Thr151Ala (NM_015127.5); c.340-2078A>G (NM_001278202.2); c.340-3794A>G (NM_001278203.1); short protein forms T104A, T151A, T167A, T201A.
Identifiers: ClinVar variation 1026574 (VCV001026574.8), dbSNP rs766469497, ClinGen allele CA983555.

ClinVar aggregate classification (germline): Uncertain significance (1 of 4 stars; one submission).

Allele frequency attached by ClinVar (database versions not stated): gnomAD exomes below 0.00001 and 0.00002; ExAC 0.00002.
gnomAD v4.1: 9 of 1,613,878 alleles (0.00056%); highest among the groups gnomAD compares: Admixed American, 0.005%; 1 homozygote.

Submission:

Labcorp Genetics (formerly Invitae), Labcorp
Classification: Uncertain significance. Last evaluated: 2023-03-27. Review status: criteria provided, single submitter. Criteria: Invitae Variant Classification Sherloc (09022015). Collection method: clinical testing. Allele origin: germline.
Comment: In summary, the available evidence is currently insufficient to determine the role of this variant in disease. Therefore, it has been classified as a Variant of Uncertain Significance. An algorithm developed to predict the effect of missense changes on protein structure and function (PolyPhen-2) suggests that this variant is likely to be disruptive. ClinVar contains an entry for this variant (Variation ID: 1026574). This variant has not been reported in the literature in individuals affected with CLCC1-related conditions. This variant is present in population databases (rs766469497, gnomAD 0.006%). This sequence change replaces threonine, which is neutral and polar, with alanine, which is neutral and non-polar, at codon 201 of the CLCC1 protein (p.Thr201Ala).